The following is an entry in ClinVar:

ClinVar aggregate classification (germline): Uncertain significance (1 of 4 stars; one submission).

Conditions:
Hereditary cancer-predisposing syndrome. Also called: Neoplastic Syndromes, Hereditary; Tumor predisposition; Hereditary neoplastic syndrome; Hereditary Cancer Syndrome. Identifiers: Orphanet 140162, MedGen C0027672, MeSH D009386, MONDO:0015356.

Allele frequency attached by ClinVar (database versions not stated): gnomAD 0.00001.
gnomAD v4.1: 1 of 1,613,940 alleles (0.000062%); highest among the groups gnomAD compares: South Asian, 0.0011%; no homozygotes.

Submission:

Ambry Genetics
Classification: Uncertain significance for Hereditary cancer-predisposing syndrome. Last evaluated: 2023-02-06. Review status: criteria provided, single submitter. Criteria: Ambry General Variant Classification Scheme_2022. Collection method: clinical testing. Allele origin: germline.
Comment: The p.A608T variant (also known as c.1822G>A), located in coding exon 11 of the PMS2 gene, results from a G to A substitution at nucleotide position 1822. The alanine at codon 608 is replaced by threonine, an amino acid with similar properties. This amino acid position is not well conserved in available vertebrate species. In addition, this alteration is predicted to be tolerated by in silico analysis. Since supporting evidence is limited at this time, the clinical significance of this alteration remains unclear.

NM_000535.7(PMS2):c.1822G>A (p.Ala608Thr)

Gene: PMS2 (PMS1 homolog 2, mismatch repair system component; minus strand). Cytogenetic location: 7p22.1.
Variant type: single nucleotide variant.
Coding change: c.1822G>A on transcript NM_000535.7 (MANE Select); coding-DNA position 1822, G replaced by A.
Protein change: p.Ala608Thr; replaces alanine 608 with threonine.
Molecular consequence: missense variant. On other transcripts: non-coding transcript variant (1), intron variant (1).
Genome position (GRCh38, 1-based): chr7:5,986,943, C>T on the plus strand (G>A on the coding strand, the complement: PMS2 is on the minus strand). VCF-style: chr7-5986943-C-T. GRCh37 (hg19) VCF-style: chr7-6026574-C-T.
Other names: c.1417G>A, p.Ala473Thr (NM_001406899.1, NM_001406898.1, NM_001406908.1 and 17 more transcripts); c.2008G>A, p.Ala670Thr (NM_001406866.1); c.1846G>A, p.Ala616Thr (NM_001406868.1); c.1357G>A, p.Ala453Thr (NM_001406900.1); c.1714G>A, p.Ala572Thr (NM_001406869.1); c.1666G>A, p.Ala556Thr (NM_001406870.1, NM_001322006.2); c.1348G>A, p.Ala450Thr (NM_001406901.1, NM_001406902.1); c.1822G>A, p.Ala608Thr (NM_001406871.1, NM_001406872.1, NM_001322014.2); and 13 more; short protein forms A297T, A417T, A421T, A453T, A473T, A496T, A500T, A502T.
Identifiers: ClinVar variation 2451618 (VCV002451618.1), dbSNP rs1782969330, ClinGen allele CA366739709.